The following is an entry in ClinVar:

NM_022089.4(ATP13A2):c.896G>A (p.Arg299Gln)

Gene: ATP13A2 (ATPase cation transporting 13A2; minus strand). Cytogenetic location: 1p36.13.
Variant type: single nucleotide variant.
Coding change: c.896G>A on transcript NM_022089.4 (MANE Select); coding-DNA position 896, G replaced by A.
Protein change: p.Arg299Gln; replaces arginine 299 with glutamine.
Molecular consequence: missense variant.
Genome position (GRCh38, 1-based): chr1:17,000,257, C>T on the plus strand (G>A on the coding strand, the complement: ATP13A2 is on the minus strand). VCF-style: chr1-17000257-C-T. GRCh37 (hg19) VCF-style: chr1-17326752-C-T.
Other names: c.881G>A, p.Arg294Gln (NM_001141973.3, NM_001141974.3); short protein forms R294Q, R299Q.
Identifiers: ClinVar variation 2068872 (VCV002068872.4), dbSNP rs2077301567, ClinGen allele CA338257497.

ClinVar aggregate classification (germline): Uncertain significance (1 of 4 stars; one submission).

Conditions:
Kufor-Rakeb syndrome (KRS). Also called: PARKINSON DISEASE 9, AUTOSOMAL RECESSIVE, JUVENILE-ONSET. Identifiers: Orphanet 306674, Orphanet 314632, MedGen C1847640, MONDO:0011706, OMIM 606693.
Autosomal recessive spastic paraplegia type 78. Identifiers: Orphanet 513436, MedGen C5567893, MONDO:0014975, OMIM 617225.

Allele frequency attached by ClinVar (database versions not stated): gnomAD exomes 0.00001; gnomAD 0.00002.

Submission:

Labcorp Genetics (formerly Invitae), Labcorp
Classification: Uncertain significance for Kufor-Rakeb syndrome; Autosomal recessive spastic paraplegia type 78. Last evaluated: 2022-04-18. Review status: criteria provided, single submitter. Criteria: Invitae Variant Classification Sherloc (09022015). Collection method: clinical testing. Allele origin: germline.
Comment: In summary, the available evidence is currently insufficient to determine the role of this variant in disease. Therefore, it has been classified as a Variant of Uncertain Significance. Algorithms developed to predict the effect of missense changes on protein structure and function are either unavailable or do not agree on the potential impact of this missense change (SIFT: "Tolerated"; PolyPhen-2: "Probably Damaging"; Align-GVGD: "Class C0"). This variant has not been reported in the literature in individuals affected with ATP13A2-related conditions. This variant is not present in population databases (gnomAD no frequency). This sequence change replaces arginine, which is basic and polar, with glutamine, which is neutral and polar, at codon 299 of the ATP13A2 protein (p.Arg299Gln).